The following is an entry in ClinVar:

ClinVar aggregate classification (germline): Uncertain significance (1 of 4 stars; one submission).

Conditions:
Leukodystrophy, hypomyelinating, 19, transient infantile. Identifiers: MedGen C5231463, MONDO:0032871, OMIM 618688.

gnomAD v4.1: 4 of 1,614,030 alleles (0.00025%); highest among the groups gnomAD compares: Non-Finnish European, 0.00034%; no homozygotes.

Submission:

Dasa
Classification: Uncertain significance for Leukodystrophy, hypomyelinating, 19, transient infantile. Last evaluated: 2025-11-07. Review status: criteria provided, single submitter. Criteria: DASA Assertion Criteria. Collection method: clinical testing. Allele origin: germline.
Comment: NM_014698.3(TMEM63A):c.713A>G (p.Asp238Gly) is a missense variant that results in the substitution of aspartic acid with glycine. This variant is rare in population databases. Computational prediction algorithms are consistent with a benign effect. The currently available literature and clinical evidence are not sufficient to establish a definitive association between this variant and the reported condition. Therefore, this variant is classified as a variant of uncertain significance.

NM_014698.3(TMEM63A):c.713A>G (p.Asp238Gly)

Gene: TMEM63A (transmembrane protein 63A; minus strand). Cytogenetic location: 1q42.12.
Variant type: single nucleotide variant.
Coding change: c.713A>G on transcript NM_014698.3 (MANE Select); coding-DNA position 713, A replaced by G.
Protein change: p.Asp238Gly; replaces aspartic acid 238 with glycine.
Molecular consequence: missense variant.
Genome position (GRCh38, 1-based): chr1:225,865,930, T>C on the plus strand (A>G on the coding strand, the complement: TMEM63A is on the minus strand). VCF-style: chr1-225865930-T-C. GRCh37 (hg19) VCF-style: chr1-226053630-T-C.
Other names: short protein forms D238G.
Identifiers: ClinVar variation 4881720 (VCV004881720.2).